The following is an entry in ClinVar:

NM_025099.6(CTC1):c.3456_3462del (p.Arg1153fs)

Gene: CTC1 (CST telomere replication complex component 1; minus strand). Cytogenetic location: 17p13.1.
Variant type: Deletion.
Coding change: c.3456_3462del on transcript NM_025099.6 (MANE Select); coding-DNA positions 3456 to 3462, 7 bases deleted (CCGTCCT; older notation c.3456_3462delCCGTCCT).
Protein change: p.Arg1153fs; shifts the reading frame from arginine 1153.
Molecular consequence: frameshift variant. On other transcripts: non-coding transcript variant (1).
Genome position (GRCh38, 1-based): chr17:8,228,555-8,228,561, AGGACGG deleted on the plus strand (CCGTCCT on the coding strand, the reverse complement: CTC1 is on the minus strand); deleting any 7 consecutive bases within chr17:8,228,555-8,228,566 gives the same sequence; the c. name uses the placement nearest the transcript's 3' end. VCF-style (leftmost placement, unchanged base first): chr17-8228554-TAGGACGG-T. GRCh37 (hg19) VCF-style: chr17-8131872-TAGGACGG-T.
Other names: short protein forms R1153fs.
Identifiers: ClinVar variation 1521413 (VCV001521413.7), dbSNP rs1986920257, ClinGen allele CA2246185866.

ClinVar aggregate classification (germline): Pathogenic (1 of 4 stars; one submission).

Conditions:
Dyskeratosis congenita. Identifiers: Orphanet 1775, MedGen C0265965, MONDO:0015780.

Submission:

Labcorp Genetics (formerly Invitae), Labcorp
Classification: Pathogenic for Dyskeratosis congenita. Last evaluated: 2025-06-04. Review status: criteria provided, single submitter. Criteria: Invitae Variant Classification Sherloc (09022015). Collection method: clinical testing. Allele origin: germline.
Comment: This sequence change creates a premature translational stop signal (p.Arg1153Leufs*17) in the CTC1 gene. While this is not anticipated to result in nonsense mediated decay, it is expected to disrupt the last 65 amino acid(s) of the CTC1 protein. This variant is not present in population databases (gnomAD no frequency). This variant has not been reported in the literature in individuals affected with CTC1-related conditions. ClinVar contains an entry for this variant (Variation ID: 1521413). This variant disrupts a region of the CTC1 protein in which other variant(s) (p.Arg1195*) have been determined to be pathogenic (PMID: 22387016, 23869908). This suggests that this is a clinically significant region of the protein, and that variants that disrupt it are likely to be disease-causing. For these reasons, this variant has been classified as Pathogenic.

Literature cited by the submitters: PubMed 22387016; PubMed 23869908.